The following is an entry in ClinVar:

ClinVar aggregate classification (germline): Benign/Likely benign. Review status: criteria provided, multiple submitters, no conflicts (2 of 4 stars). 4 submissions from 4 submitters: Benign (1); Likely benign (3). Last evaluated 2026-02-01.

Allele frequency attached by ClinVar (database versions not stated): ExAC 0.00070; TOPMed 0.00071; gnomAD exomes 0.00074 and 0.00097; gnomAD 0.00078 and 0.00086; ESP Exome Variant Server 0.00085.
gnomAD v4.1: 1,504 of 1,613,740 alleles (0.093%); highest among the groups gnomAD compares: Non-Finnish European, 0.11%; 3 homozygotes.

Submissions (4):

Labcorp Genetics (formerly Invitae), Labcorp
Classification: Benign. Last evaluated: 2026-02-01. Review status: criteria provided, single submitter. Criteria: Invitae Variant Classification Sherloc (09022015). Collection method: clinical testing. Allele origin: germline.

CeGaT Center for Human Genetics Tuebingen
Classification: Likely benign. Last evaluated: 2025-10-01. Review status: criteria provided, single submitter. Criteria: CeGaT Center For Human Genetics Tuebingen Variant Classification Criteria Version 2. Collection method: clinical testing. Allele origin: germline. Affected: yes. Observed: 3 variant alleles.
Comment: FCHO1: BP4, BP7

Blueprint Genetics
Classification: Likely benign. Last evaluated: 2024-11-25. Review status: criteria provided, single submitter. Criteria: ACMG Guidelines, 2015. Collection method: clinical testing. Allele origin: germline.

Breakthrough Genomics
Classification: Likely benign. Review status: criteria provided, single submitter. Criteria: ACMG Guidelines, 2015. Collection method: not provided. Allele origin: germline. Inheritance: Autosomal recessive inheritance. Affected: yes.

NM_015122.3(FCHO1):c.2361C>T (p.Asn787=)

Gene: FCHO1 (FCH and mu domain containing endocytic adaptor 1; plus strand). Cytogenetic location: 19p13.11.
Variant type: single nucleotide variant.
Coding change: c.2361C>T on transcript NM_015122.3 (MANE Select); coding-DNA position 2361, C replaced by T.
Protein change: p.Asn787=; no amino-acid change (asparagine 787 retained).
Molecular consequence: synonymous variant. On other transcripts: non-coding transcript variant (35), intron variant (5).
Genome position (GRCh38, 1-based): chr19:17,784,859, C>T. VCF-style: chr19-17784859-C-T. GRCh37 (hg19) VCF-style: chr19-17895668-C-T.
Other names: c.2361C>T, p.Asn787= (NM_001161357.2, NM_001161358.2, NM_001384370.1 and 11 more transcripts); c.2211C>T, p.Asn737= (NM_001161359.2, NM_001384384.1, NM_001384385.1 and 1 more transcripts); c.2340C>T, p.Asn780= (NM_001384387.1); c.2322C>T, p.Asn774= (NM_001384388.1, NM_001384389.1); c.2286C>T, p.Asn762= (NM_001384390.1); c.2244C>T, p.Asn748= (NM_001384392.1, NM_001384393.1, NM_001384394.1 and 1 more transcripts); c.2085C>T, p.Asn695= (NM_001384396.1, NM_001384397.1, NM_001384398.1 and 4 more transcripts); c.2040C>T, p.Asn680= (NM_001384403.1); and 5 more.
Identifiers: ClinVar variation 1551308 (VCV001551308.40), dbSNP rs139347514, ClinGen allele CA9300849.